The following is an entry in ClinVar:

ClinVar aggregate classification (germline): Likely benign (1 of 4 stars; one submission).

gnomAD v4.1: 98 of 1,209,012 alleles (0.0081%); highest among the groups gnomAD compares: Admixed American, 0.2%; 1 homozygote.

Submission:

CeGaT Center for Human Genetics Tuebingen
Classification: Likely benign. Last evaluated: 2025-11-01. Review status: criteria provided, single submitter. Criteria: CeGaT Center For Human Genetics Tuebingen Variant Classification Criteria Version 2. Collection method: clinical testing. Allele origin: germline. Affected: yes. Observed: 1 variant allele.
Comment: RBM10: BP4, BS2

NM_005676.5(RBM10):c.1694-8C>A

Gene: RBM10 (RNA binding motif protein 10; plus strand). Cytogenetic location: Xp11.3.
Variant type: single nucleotide variant.
Coding change: c.1694-8C>A on transcript NM_005676.5 (MANE Select); 8 bases into the intron before coding-DNA position 1694, C replaced by A.
Molecular consequence: intron variant.
Genome position (GRCh38, 1-based): chrX:47,181,943, C>A. VCF-style: chrX-47181943-C-A. GRCh37 (hg19) VCF-style: chrX-47041342-C-A.
Other names: c.1889-8C>A (NM_001204468.2); c.1886-8C>A (NM_001440861.1); c.1658-8C>A (NM_001440862.1); c.1655-8C>A (NM_001440863.1); c.1691-8C>A (NM_001204467.2); c.1463-8C>A (NM_001204466.2); c.1460-8C>A (NM_152856.3).
Identifiers: ClinVar variation 4533978 (VCV004533978.6).